The following is an entry in ClinVar:

NM_001379500.1(COL18A1):c.3016A>G (p.Ile1006Val)

Genes: COL18A1 (collagen type XVIII alpha 1 chain; plus strand), SLC19A1 (solute carrier family 19 member 1; minus strand). Cytogenetic location: 21q22.3.
Variant type: single nucleotide variant.
Coding change: c.3016A>G on transcript NM_001379500.1 (MANE Select); coding-DNA position 3016, A replaced by G.
Protein change: p.Ile1006Val; replaces isoleucine 1006 with valine.
Molecular consequence: missense variant.
Genome position (GRCh38, 1-based): chr21:45,505,360, A>G. VCF-style: chr21-45505360-A-G. GRCh37 (hg19) VCF-style: chr21-46925274-A-G.
Other names: c.3547A>G, p.Ile1183Val (NM_030582.4); c.4252A>G, p.Ile1418Val (NM_130444.3); short protein forms I1183V, I1418V, I1006V.
Identifiers: ClinVar variation 2123891 (VCV002123891.4), dbSNP rs2517794247, ClinGen allele CA410499670.

ClinVar aggregate classification (germline): Uncertain significance (1 of 4 stars; one submission).

Submission:

Labcorp Genetics (formerly Invitae), Labcorp
Classification: Uncertain significance. Last evaluated: 2022-04-09. Review status: criteria provided, single submitter. Criteria: Invitae Variant Classification Sherloc (09022015). Collection method: clinical testing. Allele origin: germline.
Comment: This variant has not been reported in the literature in individuals affected with COL18A1-related conditions. Experimental studies and prediction algorithms are not available or were not evaluated, and the functional significance of this variant is currently unknown. In summary, the available evidence is currently insufficient to determine the role of this variant in disease. Therefore, it has been classified as a Variant of Uncertain Significance. This sequence change replaces isoleucine, which is neutral and non-polar, with valine, which is neutral and non-polar, at codon 1003 of the COL18A1 protein (p.Ile1003Val). This variant is not present in population databases (gnomAD no frequency).